The following is an entry in ClinVar:

ClinVar aggregate classification (germline): Uncertain significance (1 of 4 stars; one submission).

Allele frequency attached by ClinVar (database versions not stated): gnomAD 0.00001; gnomAD exomes 0.00002; ExAC 0.00004.
gnomAD v4.1: 38 of 1,613,914 alleles (0.0024%); highest among the groups gnomAD compares: South Asian, 0.037%; no homozygotes.

Submission:

GeneDx
Classification: Uncertain significance. Last evaluated: 2022-06-24. Review status: criteria provided, single submitter. Criteria: GeneDx Variant Classification Process June 2021. Collection method: clinical testing. Allele origin: germline. Affected: yes.
Comment: In silico analysis supports that this missense variant does not alter protein structure/function; Has not been previously published as pathogenic or benign to our knowledge

NM_006828.4(ASCC3):c.713T>C (p.Met238Thr)

Gene: ASCC3 (activating signal cointegrator 1 complex subunit 3; minus strand). Cytogenetic location: 6q16.3.
Variant type: single nucleotide variant.
Coding change: c.713T>C on transcript NM_006828.4 (MANE Select); coding-DNA position 713, T replaced by C.
Protein change: p.Met238Thr; replaces methionine 238 with threonine.
Molecular consequence: missense variant.
Genome position (GRCh38, 1-based): chr6:100,848,236, A>G on the plus strand (T>C on the coding strand, the complement: ASCC3 is on the minus strand). VCF-style: chr6-100848236-A-G. GRCh37 (hg19) VCF-style: chr6-101296112-A-G.
Other names: c.713T>C, p.Met238Thr (NM_001284271.2); short protein forms M238T.
Identifiers: ClinVar variation 1806744 (VCV001806744.1), dbSNP rs781270757, ClinGen allele CA3938990.